The following is an entry in ClinVar:

ClinVar aggregate classification (germline): Benign/Likely benign. Review status: criteria provided, multiple submitters, no conflicts (2 of 4 stars). 14 submissions from 14 submitters: Benign (8); Likely benign (2). 4 of the submissions do not count toward it. Last evaluated 2026-02-04.

Conditions:
ALG6-congenital disorder of glycosylation 1C (CDG1C). Also called: CARBOHYDRATE-DEFICIENT GLYCOPROTEIN SYNDROME, TYPE I, WITH DEFICIENT GLYCOSYLATION OF DOLICHOL-LINKED OLIGOSACCHARIDE; CARBOHYDRATE-DEFICIENT GLYCOPROTEIN SYNDROME, TYPE V; Congenital disorder of glycosylation type 1C; Congenital disorder of glycosylation, type Ic; CDG Ic. Identifiers: Orphanet 79320, MedGen C2930997, MONDO:0011291, OMIM 603147.

Allele frequency attached by ClinVar (database versions not stated): gnomAD exomes 0.71238 and 0.75355; ESP Exome Variant Server 0.73700; TOPMed 0.76914; 1000 Genomes Project 30x 0.83198; ExAC 0.75143; gnomAD 0.75764 and 0.75355; 1000 Genomes Project 0.83047.
gnomAD v4.1: 1,149,644 of 1,601,814 alleles (72%); highest among the groups gnomAD compares: African/African-American, 87%; 416,603 homozygotes.

Submissions (14):

Labcorp Genetics (formerly Invitae), Labcorp
Classification: Benign for ALG6-congenital disorder of glycosylation 1C. Last evaluated: 2026-02-04. Review status: criteria provided, single submitter. Criteria: Invitae Variant Classification Sherloc (09022015). Collection method: clinical testing. Allele origin: germline.

Blueprint Genetics
Classification: Benign. Last evaluated: 2024-11-26. Review status: criteria provided, single submitter. Criteria: ACMG Guidelines, 2015. Collection method: clinical testing. Allele origin: germline.

Mayo Clinic Laboratories, Mayo Clinic
Classification: Benign. Last evaluated: 2023-01-04. Review status: criteria provided, single submitter. Criteria: ACMG Guidelines, 2015. Collection method: clinical testing. Allele origin: germline. Observed: 477 variant alleles.
Comment: BA1, BP4

Women's Health and Genetics/Laboratory Corporation of America, LabCorp
Classification: Benign. Last evaluated: 2021-12-03. Review status: criteria provided, single submitter. Criteria: LabCorp Variant Classification Summary - May 2015. Collection method: clinical testing. Allele origin: germline.

Genome-Nilou Lab
Classification: Benign for ALG6-congenital disorder of glycosylation 1C. Last evaluated: 2021-07-10. Review status: criteria provided, single submitter. Criteria: ACMG Guidelines, 2015. Collection method: clinical testing. Allele origin: germline. Affected: no.

Illumina Laboratory Services, Illumina
Classification: Benign for ALG6-congenital disorder of glycosylation 1C. Last evaluated: 2018-03-06. Review status: criteria provided, single submitter. Criteria: ICSL Variant Classification Criteria 13 December 2019. Collection method: clinical testing. Allele origin: germline.
Comment: This variant was observed in the ICSL laboratory as part of a predisposition screen in an ostensibly healthy population. It had not been previously curated by ICSL or reported in the Human Gene Mutation Database (HGMD: prior to June 1st, 2018), and was therefore a candidate for classification through an automated scoring system. Utilizing variant allele frequency, disease prevalence and penetrance estimates, and inheritance mode, an automated score was calculated to assess if this variant is too frequent to cause the disease. Based on the score and internal cut-off values, a variant classified as benign is not then subjected to further curation. The score for this variant resulted in a classification of benign for this disease.

GeneDx
Classification: Benign. Last evaluated: 2016-01-05. Review status: criteria provided, single submitter. Criteria: GeneDx Variant Classification (06012015). Collection method: clinical testing. Allele origin: germline. Affected: yes.
Comment: This variant is considered likely benign or benign based on one or more of the following criteria: it is a conservative change, it occurs at a poorly conserved position in the protein, it is predicted to be benign by multiple in silico algorithms, and/or has population frequency not consistent with disease.

Eurofins Ntd Llc (ga)
Classification: Benign. Last evaluated: 2012-10-04. Review status: criteria provided, single submitter. Criteria: EGL Classification Definitions 2015. Collection method: clinical testing. Allele origin: germline. Observed: 46 variant alleles, 12 heterozygotes, 34 homozygotes.

Breakthrough Genomics
Classification: Likely benign. Review status: criteria provided, single submitter. Criteria: ACMG Guidelines, 2015. Collection method: not provided. Allele origin: germline. Inheritance: Autosomal recessive inheritance. Affected: yes.

PreventionGenetics, part of Exact Sciences
Classification: Likely benign. Review status: criteria provided, single submitter. Criteria: ACMG Guidelines, 2015. Collection method: clinical testing. Allele origin: germline.

Natera, Inc.
Classification: Benign for Congenital disorder of glycosylation type 1c. Last evaluated: 2020-09-16. Review status: no assertion criteria provided. Collection method: clinical testing. Allele origin: germline. Not counted in ClinVar's aggregate classification.

Diagnostic Laboratory, Department of Genetics, University Medical Center Groningen
Classification: Benign. Review status: no assertion criteria provided. Collection method: clinical testing. Allele origin: germline. Affected: yes. Study: VKGL Data-share Consensus. Not counted in ClinVar's aggregate classification.

Genetic Services Laboratory, University of Chicago
Classification: Likely benign for AllHighlyPenetrant. Review status: no assertion criteria provided. Collection method: clinical testing. Allele origin: germline. Inheritance: Autosomal recessive inheritance. Not counted in ClinVar's aggregate classification.
Comment: Likely benign based on allele frequency in 1000 Genomes Project or ESP global frequency and its presence in a patient with a rare or unrelated disease phenotype. NOT Sanger confirmed.

Joint Genome Diagnostic Labs from Nijmegen and Maastricht, Radboudumc and MUMC+
Classification: Benign. Review status: no assertion criteria provided. Collection method: clinical testing. Allele origin: germline. Affected: yes. Study: VKGL Data-share Consensus. Not counted in ClinVar's aggregate classification.

NM_013339.4(ALG6):c.911C>T (p.Ser304Phe)

Gene: ALG6 (ALG6 alpha-1,3-glucosyltransferase; plus strand). Cytogenetic location: 1p31.3.
Variant type: single nucleotide variant.
Coding change: c.911C>T on transcript NM_013339.4 (MANE Select); coding-DNA position 911, C replaced by T.
Protein change: p.Ser304Phe; replaces serine 304 with phenylalanine.
Molecular consequence: missense variant.
Genome position (GRCh38, 1-based): chr1:63,415,881, C>T. VCF-style: chr1-63415881-C-T. GRCh37 (hg19) VCF-style: chr1-63881552-C-T.
Other names: c.911C>T, p.Ser304Phe (LRG_1260t1); short protein forms S304F.
Identifiers: ClinVar variation 95531 (VCV000095531.30), dbSNP rs4630153, ClinGen allele CA148603.